The following is an entry in ClinVar:

NM_005045.4(RELN):c.2802G>A (p.Met934Ile)

Gene: RELN (reelin; minus strand). Cytogenetic location: 7q22.1.
Variant type: single nucleotide variant.
Coding change: c.2802G>A on transcript NM_005045.4 (MANE Select); coding-DNA position 2802, G replaced by A.
Protein change: p.Met934Ile; replaces methionine 934 with isoleucine.
Molecular consequence: missense variant.
Genome position (GRCh38, 1-based): chr7:103,611,704, C>T on the plus strand (G>A on the coding strand, the complement: RELN is on the minus strand). VCF-style: chr7-103611704-C-T. GRCh37 (hg19) VCF-style: chr7-103252151-C-T.
Other names: c.2802G>A, p.Met934Ile (NM_173054.3); short protein forms M934I.
Identifiers: ClinVar variation 4787661 (VCV004787661.1).
Genomic context (GRCh38, chr7:103,611,704, plus strand): 5'-GGTTGAGTACTCCAGCTTCACCTGGTTGTCCATGTGTGGGGTGTATTTCTGGCCACATCC[C>T]ATCACCAAACTGAACTGAATCATATAGGATGCTCCTATCTGCATTGATTGTGTTTCCACA-3'
Protein context (NP_005036.2, residues 924-944): ASYMIQFSLV[Met934Ile]GCGQKYTPHM

ClinVar aggregate classification (germline): Uncertain significance (1 of 4 stars; one submission).

Conditions:
Norman-Roberts syndrome (LIS2). Also called: Lissencephaly 2 (Norman-Roberts type). Identifiers: Orphanet 89844, MedGen C0796089, MONDO:0009760, OMIM 257320.
Familial temporal lobe epilepsy 7. Identifiers: Orphanet 101046, MedGen C4225327, MONDO:0014639, OMIM 616436.

gnomAD v4.1: 3 of 1,613,754 alleles (0.00019%); highest among the groups gnomAD compares: African/African-American, 0.0013%; no homozygotes.

Submission:

Labcorp Genetics (formerly Invitae), Labcorp
Classification: Uncertain significance for Familial temporal lobe epilepsy 7; Norman-Roberts syndrome. Last evaluated: 2025-12-03. Review status: criteria provided, single submitter. Criteria: Invitae Variant Classification Sherloc (09022015). Collection method: clinical testing. Allele origin: germline.
Comment: This sequence change replaces methionine, which is neutral and non-polar, with isoleucine, which is neutral and non-polar, at codon 934 of the RELN protein (p.Met934Ile). This variant is present in population databases (no rsID available, gnomAD 0.0009%). This variant has not been reported in the literature in individuals affected with RELN-related conditions. Invitae Evidence Modeling of protein sequence and biophysical properties (such as structural, functional, and spatial information, amino acid conservation, physicochemical variation, residue mobility, and thermodynamic stability) indicates that this missense variant is not expected to disrupt RELN protein function with a negative predictive value of 80%. In summary, the available evidence is currently insufficient to determine the role of this variant in disease. Therefore, it has been classified as a Variant of Uncertain Significance.